The following is an entry in ClinVar:

ClinVar aggregate classification (germline): Pathogenic (1 of 4 stars; one submission).

Conditions:
Hereditary breast ovarian cancer syndrome. Also called: Hereditary breast and ovarian cancer; Hereditary breast and/or ovarian cancer syndrome; Hereditary breast and ovarian cancer syndrome (HBOC); Breast and ovarian cancer; Hereditary breast and ovarian cancer syndrome; BRCA1- and BRCA2-Associated Hereditary Breast and Ovarian Cancer. Identifiers: Orphanet 145, MedGen C0677776, MeSH D061325, MONDO:0003582. Disease mechanism: loss of function.

Submission:

Labcorp Genetics (formerly Invitae), Labcorp
Classification: Pathogenic for Hereditary breast ovarian cancer syndrome. Last evaluated: 2022-06-28. Review status: criteria provided, single submitter. Criteria: Invitae Variant Classification Sherloc (09022015). Collection method: clinical testing. Allele origin: germline.
Comment: For these reasons, this variant has been classified as Pathogenic. Studies have shown that disruption of this splice site alters mRNA splicing and is expected to lead to the loss of protein expression (PMID: 28339459; Invitae). Disruption of this splice site has been observed in individual(s) with breast and/or ovarian cancer (PMID: 19619314, 21614564, 24504028). This variant is not present in population databases (gnomAD no frequency). This sequence change affects a donor splice site in intron 18 of the BRCA2 gene. RNA analysis indicates that disruption of this splice site induces altered splicing and may result in an absent or disrupted protein product.

Literature cited by the submitters: PubMed 28339459; PubMed 19619314; PubMed 21614564; PubMed 24504028.

NM_000059.4(BRCA2):c.8331+1G>C

Gene: BRCA2 (BRCA2 DNA repair associated; plus strand). Cytogenetic location: 13q13.1.
Variant type: single nucleotide variant.
Coding change: c.8331+1G>C on transcript NM_000059.4 (MANE Select); the canonical splice donor site of the intron after coding-DNA position 8331, G replaced by C.
Molecular consequence: splice donor variant.
Genome position (GRCh38, 1-based): chr13:32,363,534, G>C. VCF-style: chr13-32363534-G-C. GRCh37 (hg19) VCF-style: chr13-32937671-G-C.
Other names: c.8331+1G>C (NM_001406720.1); c.8235+1G>C (NM_001406719.1); c.3399+1G>C (NM_001406721.1); c.1914+1G>C (NM_001406722.1).
Identifiers: ClinVar variation 2133671 (VCV002133671.4), dbSNP rs81002837, ClinGen allele CA387750311.